The following is an entry in ClinVar:

ClinVar aggregate classification (germline): Uncertain significance (1 of 4 stars; one submission).

Conditions:
Duchenne muscular dystrophy (DMD). Also called: MUSCULAR DYSTROPHY, PSEUDOHYPERTROPHIC PROGRESSIVE, DUCHENNE TYPE; Duchenne Muscular Dystrophy (DMD). Identifiers: Orphanet 98896, MedGen C0013264, MONDO:0010679, OMIM 310200.

Submission:

Labcorp Genetics (formerly Invitae), Labcorp
Classification: Uncertain significance for Duchenne muscular dystrophy. Last evaluated: 2024-06-08. Review status: criteria provided, single submitter. Criteria: Invitae Variant Classification Sherloc (09022015). Collection method: clinical testing. Allele origin: germline.
Comment: This sequence change replaces tyrosine, which is neutral and polar, with histidine, which is basic and polar, at codon 2752 of the DMD protein (p.Tyr2752His). This variant is not present in population databases (gnomAD no frequency). This variant has not been reported in the literature in individuals affected with DMD-related conditions. ClinVar contains an entry for this variant (Variation ID: 1022596). Advanced modeling of protein sequence and biophysical properties (such as structural, functional, and spatial information, amino acid conservation, physicochemical variation, residue mobility, and thermodynamic stability) performed at Invitae indicates that this missense variant is not expected to disrupt DMD protein function with a negative predictive value of 95%. In summary, the available evidence is currently insufficient to determine the role of this variant in disease. Therefore, it has been classified as a Variant of Uncertain Significance.

NM_004006.3(DMD):c.8254T>C (p.Tyr2752His)

Gene: DMD (dystrophin; minus strand). Cytogenetic location: Xp21.1.
Variant type: single nucleotide variant.
Coding change: c.8254T>C on transcript NM_004006.3 (MANE Select); coding-DNA position 8254, T replaced by C.
Protein change: p.Tyr2752His; replaces tyrosine 2752 with histidine.
Molecular consequence: missense variant.
Genome position (GRCh38, 1-based): chrX:31,507,417, A>G on the plus strand (T>C on the coding strand, the complement: DMD is on the minus strand). VCF-style: chrX-31507417-A-G. GRCh37 (hg19) VCF-style: chrX-31525534-A-G.
Other names: c.8230T>C, p.Tyr2744His (NM_000109.4); c.8242T>C, p.Tyr2748His (NM_004009.3); c.7885T>C, p.Tyr2629His (NM_004010.3); c.4231T>C, p.Tyr1411His (NM_004011.4); c.4222T>C, p.Tyr1408His (NM_004012.4); c.874T>C, p.Tyr292His (NM_004013.3, NM_004020.4, NM_004021.3 and 2 more transcripts); c.67T>C, p.Tyr23His (NM_004014.3); short protein forms Y1408H, Y1411H, Y23H, Y2629H, Y2744H, Y2748H, Y2752H, Y292H.
Identifiers: ClinVar variation 1022596 (VCV001022596.8), dbSNP rs2071060406, ClinGen allele CA412656372.